The following is an entry in ClinVar:

NM_022132.5(MCCC2):c.499T>C (p.Cys167Arg)

Gene: MCCC2 (methylcrotonyl-CoA carboxylase subunit 2; plus strand). Cytogenetic location: 5q13.2.
Variant type: single nucleotide variant.
Coding change: c.499T>C on transcript NM_022132.5 (MANE Select); coding-DNA position 499, T replaced by C.
Protein change: p.Cys167Arg; replaces cysteine 167 with arginine.
Molecular consequence: missense variant.
Genome position (GRCh38, 1-based): chr5:71,602,621, T>C. VCF-style: chr5-71602621-T-C. GRCh37 (hg19) VCF-style: chr5-70898448-T-C.
Other names: c.499T>C, p.Cys167Arg (NM_001363147.1); short protein forms C167R.
Identifiers: ClinVar variation 1923 (VCV000001923.28), dbSNP rs119103222, ClinGen allele CA251969.
Genomic context (GRCh38, chr5:71,602,621, plus strand): 5'-CCAGTGACTGTGAAAAAACAATTACGGGCCCAAGAAATTGCCATGCAAAACAGGCTCCCC[T>C]GCATCTACTTAGGCAAGTCACCAGAGTGGTAAAATAAACTATTATTAGCTGGTAAAATGC-3'
Protein context (NP_071415.1, residues 157-177): QEIAMQNRLP[Cys167Arg]IYLVDSGGAY

ClinVar aggregate classification (germline): Pathogenic/Likely pathogenic. Review status: criteria provided, multiple submitters, no conflicts (2 of 4 stars). 6 submissions from 6 submitters: Pathogenic (2); Likely pathogenic (3). 1 of the submissions does not count toward it. Last evaluated 2026-02-18.

Conditions:
Methylcrotonyl-CoA carboxylase deficiency. Also called: 3-MCC Deficiency; 3 Methylcrotonylglycinuria; Deficiency of methylcrotonoyl-CoA carboxylase. Identifiers: Orphanet 6, MedGen C4551505, MONDO:0018950.
3-methylcrotonyl-CoA carboxylase 2 deficiency. Also called: 3 alpha methylcrotonyl-CoA carboxylase 2 deficiency; 3 alpha methylcrotonylglycinuria 2; MCC 2 deficiency; Methylcrotonylglycinuria type 2; METHYLCROTONYLGLYCINURIA, TYPE II. Identifiers: Orphanet 6, MedGen C1859499, MONDO:0008862, OMIM 210210.

Allele frequency attached by ClinVar (database versions not stated): gnomAD exomes below 0.00001; TOPMed below 0.00001; ExAC 0.00001; gnomAD 0.00001.
gnomAD v4.1: 3 of 1,614,068 alleles (0.00019%); highest among the groups gnomAD compares: Admixed American, 0.005%; no homozygotes.

Submissions (6):

GeneDx
Classification: Pathogenic. Last evaluated: 2026-02-18. Review status: criteria provided, single submitter. Criteria: GeneDx Variant Classification Process June 2021. Collection method: clinical testing. Allele origin: germline.
Comment: Published functional studies demonstrate this variant is associated with significantly reduced MCC activity (PMID: 14680978); Not observed at significant frequency in large population cohorts (gnomAD); In silico analysis supports that this missense variant has a deleterious effect on protein structure/function; This variant is associated with the following publications: (PMID: 14680978, 32778825, 11170888, 22642865, 16835865)

Natera, Inc.
Classification: Likely pathogenic for 3-methylcrotonyl-CoA carboxylase 2 deficiency. Last evaluated: 2025-08-07. Review status: criteria provided, single submitter. Criteria: Natera Variant Classification Schema (03/2026). Collection method: clinical testing. Allele origin: germline.
Comment: The c.499T>C variant in MCCC2 is a missense variant predicted to cause substitution of cysteine to arginine at amino acid 167. This variant is rare in the general population with a frequency below the threshold expected for the associated phenotype(s). This variant has been observed in one or more individuals affected with the associated recessive disease, as either homozygous or compound heterozygous with a second variant (PMID: 14680978). Functional studies show that this variant may disrupt protein function (PMID: 14680978). Computational prediction algorithms indicate this variant is likely to affect gene or protein function. Given the available evidence, this variant is classified as Likely Pathogenic.

Labcorp Genetics (formerly Invitae), Labcorp
Classification: Pathogenic for 3-methylcrotonyl-CoA carboxylase 2 deficiency. Last evaluated: 2025-05-09. Review status: criteria provided, single submitter. Criteria: Invitae Variant Classification Sherloc (09022015). Collection method: clinical testing. Allele origin: germline.
Comment: This sequence change replaces cysteine, which is neutral and slightly polar, with arginine, which is basic and polar, at codon 167 of the MCCC2 protein (p.Cys167Arg). This variant is present in population databases (rs119103222, gnomAD 0.006%). This missense change has been observed in individual(s) with autosomal recessive 3-methylcrotonyl-CoA carboxylase deficiency (PMID: 11170888, 14680978). ClinVar contains an entry for this variant (Variation ID: 1923). Invitae Evidence Modeling of protein sequence and biophysical properties (such as structural, functional, and spatial information, amino acid conservation, physicochemical variation, residue mobility, and thermodynamic stability) indicates that this missense variant is expected to disrupt MCCC2 protein function with a positive predictive value of 80%. Experimental studies have shown that this missense change affects MCCC2 function (PMID: 14680978). For these reasons, this variant has been classified as Pathogenic.

Fulgent Genetics
Classification: Likely pathogenic for 3-methylcrotonyl-CoA carboxylase 2 deficiency. Last evaluated: 2024-06-04. Review status: criteria provided, single submitter. Criteria: ACMG Guidelines, 2015. Collection method: clinical testing. Allele origin: germline.

Women's Health and Genetics/Laboratory Corporation of America, LabCorp
Classification: Likely pathogenic for Methylcrotonyl-CoA carboxylase deficiency. Last evaluated: 2024-05-31. Review status: criteria provided, single submitter. Criteria: LabCorp Variant Classification Summary - May 2015. Collection method: clinical testing. Allele origin: germline.
Comment: Variant summary: MCCC2 c.499T>C (p.Cys167Arg) results in a non-conservative amino acid change located in the Acetyl-coenzyme A carboxyltransferase, N-terminal domain (IPR011762) of the encoded protein sequence. Five of five in-silico tools predict a damaging effect of the variant on protein function. The variant allele was found at a frequency of 4e-06 in 251476 control chromosomes. c.499T>C has been reported in the literature in at least one homozygous individual affected with Methylcrotonyl-CoA Carboxylase Deficiency (Desviat_2003, Gallardo_2001). These data indicate that the variant may be associated with disease. At least one publication reports experimental evidence evaluating an impact on protein function. The most pronounced variant effect results in almost complete loss of MCC activity in MCCB-deficient fibroblasts (0.3% of normal activity) (Desviat_2003). The following publications have been ascertained in the context of this evaluation (PMID: 14680978, 11170888). ClinVar contains an entry for this variant (Variation ID: 1923). Based on the evidence outlined above, the variant was classified as likely pathogenic.

OMIM
Classification: Pathogenic for 3-METHYLCROTONYL-CoA CARBOXYLASE 2 DEFICIENCY. Last evaluated: 2001-02-01. Review status: no assertion criteria provided. Collection method: literature only. Allele origin: germline. Not counted in ClinVar's aggregate classification.

Literature cited by the submitters: PubMed 14680978 (cited by 3 submitters); PubMed 11170888 (cited by 3 submitters).